The following is an entry in ClinVar:

ClinVar aggregate classification (germline): Pathogenic. Review status: criteria provided, multiple submitters, no conflicts (2 of 4 stars). 8 submissions from 8 submitters: Pathogenic (5). 3 of the submissions do not count toward it. Last evaluated 2026-04-01.

Conditions:
Microcephaly 5, primary, autosomal recessive (MCPH5). Also called: ASPM Primary Microcephaly. Identifiers: Orphanet 2512, MedGen C1837501, MONDO:0012106, OMIM 608716.

Allele frequency attached by ClinVar (database versions not stated): gnomAD exomes below 0.00001.
gnomAD v4.1: 6 of 1,613,500 alleles (0.00037%); highest among the groups gnomAD compares: South Asian, 0.0044%; no homozygotes.

Submissions (8):

GeneDx
Classification: Pathogenic. Last evaluated: 2026-04-01. Review status: criteria provided, single submitter. Criteria: GeneDx Variant Classification Process June 2021. Collection method: clinical testing. Allele origin: germline.
Comment: Nonsense variant predicted to result in protein truncation or nonsense mediated decay in a gene for which loss of function is a known mechanism of disease; Not observed at significant frequency in large population cohorts (gnomAD); This variant is associated with the following publications: (PMID: 39843441, 25525159, 31853109, 39281811, 34826358, 19808985, 17849285, 16673149, 41452392, 19353628, 29431480, Afsar2023[article], 27784895, 22775483, 34295862, 15355437)

Health Biotechnology Lab, Government College University Faisalabad
Classification: Pathogenic for Microcephaly 5, primary, autosomal recessive. Last evaluated: 2026-01-06. Review status: criteria provided, single submitter. Criteria: ACMG Guidelines, 2015. Collection method: research. Allele origin: biparental. Inheritance: Autosomal recessive inheritance. Affected: yes. Observed: 1 homozygote.
Comment: Loss of function variants in ASPM are well documented in association with primary microcephaly. This loss of function variant was identified in a family presenting with primary microcephaly, and co-segregated in affected individuals. This variant is rare, present at low allele frequencies in gnomAD V4 (0.000003719), with no homozygotes. This variant has been reported pathogenic in primary microcephaly multiple times (Kumar et al., 2004, Kousar et al., 2010).

Genome-Nilou Lab
Classification: Pathogenic for Microcephaly 5, primary, autosomal recessive. Last evaluated: 2023-04-11. Review status: criteria provided, single submitter. Criteria: ACMG Guidelines, 2015. Collection method: clinical testing. Allele origin: germline. Affected: no.

Labcorp Genetics (formerly Invitae), Labcorp
Classification: Pathogenic. Last evaluated: 2022-05-11. Review status: criteria provided, single submitter. Criteria: Invitae Variant Classification Sherloc (09022015). Collection method: clinical testing. Allele origin: germline.
Comment: This sequence change creates a premature translational stop signal (p.Trp1326*) in the ASPM gene. It is expected to result in an absent or disrupted protein product. Loss-of-function variants in ASPM are known to be pathogenic (PMID: 19028728, 23611254). This variant is present in population databases (rs137852995, gnomAD 0.003%). This premature translational stop signal has been observed in individual(s) with primary microcephaly (PMID: 15355437, 31853109). ClinVar contains an entry for this variant (Variation ID: 4961). For these reasons, this variant has been classified as Pathogenic.

3billion
Classification: Pathogenic for Microcephaly 5, primary, autosomal recessive. Last evaluated: 2022-01-03. Review status: criteria provided, single submitter. Criteria: ACMG Guidelines, 2015. Collection method: clinical testing. Allele origin: germline. Affected: yes. Observed: 1 homozygote.
Comment: Stop-gained (nonsense): predicted to result in a loss or disruption of normal protein function through nonsense-mediated decay (NMD) or protein truncation. Multiple pathogenic variants are reported downstream of the variant (PVS1_VS).The variant has been reported to be associated with ASPM related disorder (ClinVar ID: VCV000004961, PMID:15355437).It is observed at an extremely low frequency in the gnomAD v2.1.1 dataset (total allele frequency: 0.000004, PM2_M). The variant has been reported to be in trans as homozygous in at least one similarly affected unrelated individual (PMID: 15355437,PM3_P). Therefore, this variant is classified as pathogenic according to the recommendation of ACMG/AMP guideline.

OMIM
Classification: Pathogenic for MICROCEPHALY 5, PRIMARY, AUTOSOMAL RECESSIVE. Last evaluated: 2004-10-01. Review status: no assertion criteria provided. Collection method: literature only. Allele origin: germline. Not counted in ClinVar's aggregate classification.

GeneReviews
No classification provided. Condition: Microcephaly 5, primary, autosomal recessive. Review status: no classification provided. Collection method: literature only. Allele origin: unknown. Not counted in ClinVar's aggregate classification.

Hong-Tao Li Lab, Institute of Brain Science and Brain-inspired Research, Shandong First Medical University & Shandong Academy of Medical Sciences China
Classification: Pathogenic for Microcephaly 5, primary, autosomal recessive. Review status: no assertion criteria provided. Collection method: research. Allele origin: germline. Inheritance: Autosomal recessive inheritance. Affected: yes. Observed: 1 variant allele, 1 homozygote. Not counted in ClinVar's aggregate classification.
Comment: Observed in affected individuals from a Pakistani neurodevelopmental-disorder research cohort of 263 individuals. Classification assigned using the ACMG/AMP framework. Population-frequency evidence: gnomAD AF 3.987e-06.

Literature cited by the submitters: PubMed 15355437 (cited by 4 submitters); PubMed 19808985 (cited by Health Biotechnology Lab, Government College University Faisalabad); PubMed 19028728 (cited by Labcorp Genetics (formerly Invitae), Labcorp); PubMed 23611254 (cited by Labcorp Genetics (formerly Invitae), Labcorp); PubMed 31853109 (cited by Labcorp Genetics (formerly Invitae), Labcorp); PubMed 20301772 (cited by GeneReviews); NCBI Bookshelf NBK9587 (cited by GeneReviews).

NM_018136.5(ASPM):c.3978G>A (p.Trp1326Ter)

Gene: ASPM (assembly factor for spindle microtubules; minus strand). Cytogenetic location: 1q31.3.
Variant type: single nucleotide variant.
Coding change: c.3978G>A on transcript NM_018136.5 (MANE Select); coding-DNA position 3978, G replaced by A.
Protein change: p.Trp1326Ter; replaces tryptophan 1326 with a stop codon.
Molecular consequence: nonsense.
Genome position (GRCh38, 1-based): chr1:197,117,876, C>T on the plus strand (G>A on the coding strand, the complement: ASPM is on the minus strand). VCF-style: chr1-197117876-C-T. GRCh37 (hg19) VCF-style: chr1-197087006-C-T.
Other names: c.3978G>A, p.Trp1326Ter (NM_001206846.2); short protein forms W1326*.
Identifiers: ClinVar variation 4961 (VCV000004961.13), dbSNP rs137852995, ClinGen allele CA340327.